The following is an entry in ClinVar:

NM_006796.3(AFG3L2):c.662C>T (p.Thr221Ile)

Gene: AFG3L2 (AFG3 like matrix AAA peptidase subunit 2; minus strand). Cytogenetic location: 18p11.21.
Variant type: single nucleotide variant.
Coding change: c.662C>T on transcript NM_006796.3 (MANE Select); coding-DNA position 662, C replaced by T.
Protein change: p.Thr221Ile; replaces threonine 221 with isoleucine.
Molecular consequence: missense variant.
Genome position (GRCh38, 1-based): chr18:12,360,017, G>A on the plus strand (C>T on the coding strand, the complement: AFG3L2 is on the minus strand). VCF-style: chr18-12360017-G-A. GRCh37 (hg19) VCF-style: chr18-12360016-G-A.
Other names: short protein forms T221I.
Identifiers: ClinVar variation 2101296 (VCV002101296.5), dbSNP rs2510230931, ClinGen allele CA401954167.
Genomic context (GRCh38, chr18:12,360,017, plus strand): 5'-ACCCGATTTTCTCCTTCTATGCCCAATTCCTGCTGTAAAGTTTCCAGATTCCGTTCAAAG[G>A]TGTCCACACTGCCAATATTAAACCAAACGTATTGCTATAAAAACAAAAAAACAAATATCC-3'
Protein context (NP_006787.2, residues 211-231): YVWFNIGSVD[Thr221Ile]FERNLETLQQ

ClinVar aggregate classification (germline): Uncertain significance. Review status: criteria provided, multiple submitters, no conflicts (2 of 4 stars). 2 submissions from 2 submitters: Uncertain significance (2). Last evaluated 2025-06-30.

Conditions:
Inborn genetic diseases. Identifiers: MedGen C0950123, MeSH D030342.

Allele frequency attached by ClinVar (database versions not stated): gnomAD exomes below 0.00001.
gnomAD v4.1: 1 of 1,613,968 alleles (0.000062%); highest among the groups gnomAD compares: African/African-American, 0.0013%; no homozygotes.

Submissions (2):

Ambry Genetics
Classification: Uncertain significance for Inborn genetic diseases. Last evaluated: 2025-06-30. Review status: criteria provided, single submitter. Criteria: Ambry Variant Classification Scheme 2023. Collection method: clinical testing. Allele origin: germline.

Labcorp Genetics (formerly Invitae), Labcorp
Classification: Uncertain significance. Last evaluated: 2022-03-08. Review status: criteria provided, single submitter. Criteria: Invitae Variant Classification Sherloc (09022015). Collection method: clinical testing. Allele origin: germline.
Comment: In summary, the available evidence is currently insufficient to determine the role of this variant in disease. Therefore, it has been classified as a Variant of Uncertain Significance. Advanced modeling of protein sequence and biophysical properties (such as structural, functional, and spatial information, amino acid conservation, physicochemical variation, residue mobility, and thermodynamic stability) performed at Invitae indicates that this missense variant is not expected to disrupt AFG3L2 protein function. This variant has not been reported in the literature in individuals affected with AFG3L2-related conditions. This variant is not present in population databases (gnomAD no frequency). This sequence change replaces threonine, which is neutral and polar, with isoleucine, which is neutral and non-polar, at codon 221 of the AFG3L2 protein (p.Thr221Ile).